The following is an entry in ClinVar:

ClinVar aggregate classification (germline): Uncertain significance (1 of 4 stars; one submission).

gnomAD v4.1: 2 of 1,608,402 alleles (0.00012%); highest among the groups gnomAD compares: Admixed American, 0.0017%; no homozygotes.

Submission:

GeneDx
Classification: Uncertain significance. Last evaluated: 2025-08-08. Review status: criteria provided, single submitter. Criteria: GeneDx Variant Classification Process June 2021. Collection method: clinical testing. Allele origin: germline. Affected: yes.
Comment: Not observed at significant frequency in large population cohorts (gnomAD); In silico analysis suggests that this missense variant does not alter protein structure/function; Has not been previously published as pathogenic or benign to our knowledge; This variant is associated with the following publications: (PMID: 17676033, 18602572)

NM_139276.3(STAT3):c.338C>T (p.Ser113Leu)

Gene: STAT3 (signal transducer and activator of transcription 3; minus strand). Cytogenetic location: 17q21.2.
Variant type: single nucleotide variant.
Coding change: c.338C>T on transcript NM_139276.3 (MANE Select); coding-DNA position 338, C replaced by T.
Protein change: p.Ser113Leu; replaces serine 113 with leucine.
Molecular consequence: missense variant. On other transcripts: intron variant (1).
Genome position (GRCh38, 1-based): chr17:42,345,593, G>A on the plus strand (C>T on the coding strand, the complement: STAT3 is on the minus strand). VCF-style: chr17-42345593-G-A. GRCh37 (hg19) VCF-style: chr17-40497611-G-A.
Other names: c.338C>T, p.Ser113Leu (NM_001369517.1, NM_001369518.1, NM_001369519.1 and 16 more transcripts); c.274-14C>T (NM_001384985.1); short protein forms S113L.
Identifiers: ClinVar variation 4756006 (VCV004756006.1).
Genomic context (GRCh38, chr17:42,345,593, plus strand): 5'-GGGATTTGTTTTGTCTCAGGTCTCACCTGGGCCGCAGTGGCTGCAGTCTGTAGAAGGCGT[G>A]ATTCTTCCCACAGGCACCGGGCCACAATCCGGGCAATCTCCATTGGCTTCTCAAGATACC-3'
Protein context (NP_644805.1, residues 103-123): RIVARCLWEE[Ser113Leu]RLLQTAATAA